The following is an entry in ClinVar:

ClinVar aggregate classification (germline): Uncertain significance (1 of 4 stars; one submission).

Allele frequency attached by ClinVar (database versions not stated): gnomAD exomes below 0.00001.
gnomAD v4.1: 4 of 1,613,536 alleles (0.00025%); highest among the groups gnomAD compares: Non-Finnish European, 0.00034%; no homozygotes.

Submission:

Labcorp Genetics (formerly Invitae), Labcorp
Classification: Uncertain significance. Last evaluated: 2022-02-19. Review status: criteria provided, single submitter. Criteria: Invitae Variant Classification Sherloc (09022015). Collection method: clinical testing. Allele origin: germline.
Comment: Algorithms developed to predict the effect of missense changes on protein structure and function are either unavailable or do not agree on the potential impact of this missense change (SIFT: "Deleterious"; PolyPhen-2: "Probably Damaging"; Align-GVGD: "Class C0"). In summary, the available evidence is currently insufficient to determine the role of this variant in disease. Therefore, it has been classified as a Variant of Uncertain Significance. This variant has not been reported in the literature in individuals affected with SLC4A1-related conditions. This variant is not present in population databases (gnomAD no frequency). This sequence change replaces leucine, which is neutral and non-polar, with proline, which is neutral and non-polar, at codon 230 of the SLC4A1 protein (p.Leu230Pro).

NM_000342.4(SLC4A1):c.689T>C (p.Leu230Pro)

Gene: SLC4A1 (solute carrier family 4 member 1 (Diego blood group); minus strand). Cytogenetic location: 17q21.31.
Variant type: single nucleotide variant.
Coding change: c.689T>C on transcript NM_000342.4 (MANE Select); coding-DNA position 689, T replaced by C.
Protein change: p.Leu230Pro; replaces leucine 230 with proline.
Molecular consequence: missense variant.
Genome position (GRCh38, 1-based): chr17:44,259,502, A>G on the plus strand (T>C on the coding strand, the complement: SLC4A1 is on the minus strand). VCF-style: chr17-44259502-A-G. GRCh37 (hg19) VCF-style: chr17-42336870-A-G.
Other names: short protein forms L230P.
Identifiers: ClinVar variation 2099368 (VCV002099368.4), dbSNP rs2509969005, ClinGen allele CA399790784.